The following is an entry in ClinVar:

ClinVar aggregate classification (germline): Conflicting classifications of pathogenicity. Review status: criteria provided, conflicting classifications (1 of 4 stars). 4 submissions from 4 submitters: Uncertain significance (2); Likely benign (2). Last evaluated 2025-10-23.

Conditions:
Complex cortical dysplasia with other brain malformations 3. Identifiers: MedGen C3809414, MONDO:0014170, OMIM 615411.
Inborn genetic diseases. Identifiers: MedGen C0950123, MeSH D030342.

Allele frequency attached by ClinVar (database versions not stated): gnomAD exomes 0.00004 and 0.00026; gnomAD 0.00005; TOPMed 0.00005; ExAC 0.00008; ESP Exome Variant Server 0.00008.
gnomAD v4.1: 345 of 1,467,338 alleles (0.024%); highest among the groups gnomAD compares: Non-Finnish European, 0.03%; no homozygotes.

Submissions (5):

Labcorp Genetics (formerly Invitae), Labcorp
Classification: Likely benign. Last evaluated: 2025-10-23. Review status: criteria provided, single submitter. Criteria: Invitae Variant Classification Sherloc (09022015). Collection method: clinical testing. Allele origin: germline.

Ambry Genetics
Classification: Uncertain significance for Inborn genetic diseases. Last evaluated: 2025-08-13. Review status: criteria provided, single submitter. Criteria: Ambry Variant Classification Scheme 2023. Collection method: clinical testing. Allele origin: germline.

Women's Health and Genetics/Laboratory Corporation of America, LabCorp
Classification: Likely benign. Last evaluated: 2025-04-25. Review status: criteria provided, single submitter. Criteria: LabCorp Variant Classification Summary - May 2015. Collection method: clinical testing. Allele origin: germline.
Comment: Variant summary: KIF2A c.1064A>G (p.Tyr355Cys) results in a non-conservative amino acid change in the encoded protein sequence. Five of five in-silico tools predict a damaging effect of the variant on protein function. The variant allele was found at a frequency of 0.00024 in 1467338 control chromosomes, predominantly at a frequency of 0.0003 within the Non-Finnish European subpopulation in the gnomAD database. The observed variant frequency within Non-Finnish European control individuals in the gnomAD database is approximately 300 fold of the estimated maximal expected allele frequency for a pathogenic variant in KIF2A causing Complex Cortical Dysplasia With Other Brain Malformations 3 phenotype (1e-06). To our knowledge, no occurrence of c.1064A>G in individuals affected with Complex Cortical Dysplasia With Other Brain Malformations 3 and no experimental evidence demonstrating its impact on protein function have been reported. ClinVar contains an entry for this variant (Variation ID: 1426100). Based on the evidence outlined above, the variant was classified as likely benign.

Revvity Omics, Revvity
Classification: Uncertain significance for Complex cortical dysplasia with other brain malformations 3. Last evaluated: 2021-04-01. Review status: criteria provided, single submitter. Criteria: ACMG Guidelines, 2015. Collection method: clinical testing. Allele origin: germline.

Dr. Peter K. Rogan Lab, Western University
No classification provided (evidence only). Condition: Thyroid cancer, nonmedullary, 1. Review status: no classification provided. Collection method: in vitro. Allele origin: not applicable. Functional consequence: retained intron. Not counted in ClinVar's aggregate classification.

NM_001098511.3(KIF2A):c.1064A>G (p.Tyr355Cys)

Gene: KIF2A (kinesin family member 2A; plus strand). Cytogenetic location: 5q12.1.
Variant type: single nucleotide variant.
Coding change: c.1064A>G on transcript NM_001098511.3 (MANE Select); coding-DNA position 1064, A replaced by G.
Protein change: p.Tyr355Cys; replaces tyrosine 355 with cysteine.
Molecular consequence: missense variant.
Genome position (GRCh38, 1-based): chr5:62,362,486, A>G. VCF-style: chr5-62362486-A-G. GRCh37 (hg19) VCF-style: chr5-61658313-A-G.
Other names: c.1064A>G (NM_001098511.2); c.983A>G, p.Tyr328Cys (NM_001243952.2); c.1007A>G, p.Tyr336Cys (NM_001243953.2); c.1064A>G, p.Tyr355Cys (NM_004520.5); short protein forms Y328C, Y336C, Y355C.
Identifiers: ClinVar variation 1426100 (VCV001426100.13), dbSNP rs368021683, ClinGen allele CA3278923.